The following is an entry in ClinVar:

NM_053025.4(MYLK):c.1619C>A (p.Thr540Asn)

Gene: MYLK (myosin light chain kinase; minus strand). Cytogenetic location: 3q21.1.
Variant type: single nucleotide variant.
Coding change: c.1619C>A on transcript NM_053025.4 (MANE Select); coding-DNA position 1619, C replaced by A.
Protein change: p.Thr540Asn; replaces threonine 540 with asparagine.
Molecular consequence: missense variant.
Genome position (GRCh38, 1-based): chr3:123,725,976, G>T on the plus strand (C>A on the coding strand, the complement: MYLK is on the minus strand). VCF-style: chr3-123725976-G-T. GRCh37 (hg19) VCF-style: chr3-123444823-G-T.
Other names: c.1091C>A, p.Thr364Asn (NM_001321309.2); c.1412C>A, p.Thr471Asn (NM_053026.4, NM_053028.4); c.1619C>A, p.Thr540Asn (NM_053027.4); short protein forms T364N, T471N, T540N.
Identifiers: ClinVar variation 3228898 (VCV003228898.1), dbSNP rs776002181, ClinGen allele CA067265.

ClinVar aggregate classification (germline): Uncertain significance (1 of 4 stars; one submission).

Conditions:
Familial thoracic aortic aneurysm and aortic dissection (TAAD). Also called: Thoracic aortic aneurysms and dissections. Identifiers: Orphanet 91387, MedGen C4707243, MONDO:0019625.

Allele frequency attached by ClinVar (database versions not stated): ExAC 0.00001; gnomAD 0.00001; TOPMed 0.00001.
gnomAD v4.1: 1 of 1,614,008 alleles (0.000062%); highest among the groups gnomAD compares: African/African-American, 0.0013%; no homozygotes.

Submission:

Ambry Genetics
Classification: Uncertain significance for Familial thoracic aortic aneurysm and aortic dissection. Last evaluated: 2024-01-03. Review status: criteria provided, single submitter. Criteria: Ambry Variant Classification Scheme 2023. Collection method: clinical testing. Allele origin: germline.
Comment: The p.T540N variant (also known as c.1619C>A), located in coding exon 9 of the MYLK gene, results from a C to A substitution at nucleotide position 1619. The threonine at codon 540 is replaced by asparagine, an amino acid with similar properties. This amino acid position is conserved. In addition, this alteration is predicted to be tolerated by in silico analysis. Since supporting evidence is limited at this time, the clinical significance of this alteration remains unclear.